The following is an entry in ClinVar:

ClinVar aggregate classification (germline): Uncertain significance (1 of 4 stars; one submission).

Allele frequency attached by ClinVar (database versions not stated): ExAC 0.00001; gnomAD exomes 0.00001.
gnomAD v4.1: 3 of 1,612,954 alleles (0.00019%); highest among the groups gnomAD compares: East Asian, 0.0067%; no homozygotes.

Submission:

CeGaT Center for Human Genetics Tuebingen
Classification: Uncertain significance. Last evaluated: 2022-04-01. Review status: criteria provided, single submitter. Criteria: CeGaT Center For Human Genetics Tuebingen Variant Classification Criteria Version 2. Collection method: clinical testing. Allele origin: germline. Affected: yes. Observed: 1 variant allele.
Comment: TTN: PM2, BP4

NM_001267550.2(TTN):c.96440C>T (p.Ala32147Val)

Genes: TTN (titin; minus strand), TTN-AS1 (TTN antisense RNA 1; plus strand), LOC126806421 (CDK7 strongly-dependent group 2 enhancer GRCh37_chr2:179407630-179408829; plus strand). Cytogenetic location: 2q31.2.
Variant type: single nucleotide variant.
Coding change: c.96440C>T on transcript NM_001267550.2 (MANE Select); coding-DNA position 96440, C replaced by T.
Protein change: p.Ala32147Val; replaces alanine 32147 with valine.
Molecular consequence: missense variant.
Genome position (GRCh38, 1-based): chr2:178,543,533, G>A on the plus strand (C>T on the coding strand, the complement: TTN is on the minus strand). VCF-style: chr2-178543533-G-A. GRCh37 (hg19) VCF-style: chr2-179408260-G-A.
Other names: c.91517C>T, p.Ala30506Val (NM_001256850.1); c.69245C>T, p.Ala23082Val (NM_003319.4); c.88736C>T, p.Ala29579Val (NM_133378.4); c.69620C>T, p.Ala23207Val (NM_133432.3); c.69821C>T, p.Ala23274Val (NM_133437.4); short protein forms A23082V, A23207V, A23274V, A29579V, A30506V, A32147V.
Identifiers: ClinVar variation 2651589 (VCV002651589.24), dbSNP rs774531768, ClinGen allele CA1986751.
Genomic context (GRCh38, chr2:178,543,533, plus strand): 5'-GAAATTCTGTAAAGTGTCTTGCTGCATTTGGTAGTTACTGTTTTGAATGCTCTCATAGCA[G>A]CTTCACGCTTCTCAACGATGTAATTGTTGACTGGAGCTCCACCATCAATCGTGGGAATTT-3'
Protein context (NP_001254479.2, residues 32137-32157): VNNYIVEKRE[Ala32147Val]AMRAFKTVTT